The following is an entry in ClinVar:

NM_000732.6(CD3D):c.343A>C (p.Thr115Pro)

Gene: CD3D (CD3 delta subunit of T-cell receptor complex; minus strand). Cytogenetic location: 11q23.3.
Variant type: single nucleotide variant.
Coding change: c.343A>C on transcript NM_000732.6 (MANE Select); coding-DNA position 343, A replaced by C.
Protein change: p.Thr115Pro; replaces threonine 115 with proline.
Molecular consequence: missense variant. On other transcripts: intron variant (1).
Genome position (GRCh38, 1-based): chr11:118,339,838, T>G on the plus strand (A>C on the coding strand, the complement: CD3D is on the minus strand). VCF-style: chr11-118339838-T-G. GRCh37 (hg19) VCF-style: chr11-118210553-T-G.
Other names: c.275-344A>C (NM_001040651.2); short protein forms T115P.
Identifiers: ClinVar variation 2133775 (VCV002133775.4), dbSNP rs762023030, ClinGen allele CA382788249.

ClinVar aggregate classification (germline): Uncertain significance (1 of 4 stars; one submission).

Conditions:
Immunodeficiency 19 (IMD19). Also called: CD3-DELTA DEFICIENCY; SEVERE COMBINED IMMUNODEFICIENCY, T CELL-NEGATIVE, B CELL-POSITIVE, NK CELL-POSITIVE; SCID, T CELL-NEGATIVE, B CELL-POSITIVE, NK CELL-POSITIVE; IMMUNODEFICIENCY 19, SEVERE COMBINED. Identifiers: MedGen C3810147, MONDO:0014280, OMIM 615617.

Submission:

Labcorp Genetics (formerly Invitae), Labcorp
Classification: Uncertain significance for Immunodeficiency 19. Last evaluated: 2024-07-29. Review status: criteria provided, single submitter. Criteria: Invitae Variant Classification Sherloc (09022015). Collection method: clinical testing. Allele origin: germline.
Comment: This sequence change replaces threonine, which is neutral and polar, with proline, which is neutral and non-polar, at codon 115 of the CD3D protein (p.Thr115Pro). This variant is not present in population databases (gnomAD no frequency). This variant has not been reported in the literature in individuals affected with CD3D-related conditions. ClinVar contains an entry for this variant (Variation ID: 2133775). An algorithm developed to predict the effect of missense changes on protein structure and function (PolyPhen-2) suggests that this variant is likely to be disruptive. In summary, the available evidence is currently insufficient to determine the role of this variant in disease. Therefore, it has been classified as a Variant of Uncertain Significance.